The following is an entry in ClinVar:

NM_002528.7(NTHL1):c.350dup (p.Val119fs)

Gene: NTHL1 (nth like DNA glycosylase 1; minus strand). Cytogenetic location: 16p13.3.
Variant type: Duplication.
Coding change: c.350dup on transcript NM_002528.7 (MANE Select); coding-DNA position 350, one base duplicated (C; older notation c.350dupC).
Protein change: p.Val119fs; shifts the reading frame from valine 119.
Molecular consequence: frameshift variant. On other transcripts: intron variant (1).
Genome position (GRCh38, 1-based): chr16:2,046,132, G duplicated on the plus strand (C on the coding strand, the reverse complement: NTHL1 is on the minus strand); the first of 7 consecutive G bases (chr16:2,046,132-2,046,138); duplicating any one gives the same sequence. VCF-style (leftmost placement, unchanged base first): chr16-2046131-T-TG. GRCh37 (hg19) VCF-style: chr16-2096132-T-TG.
Other names: c.350dup, p.Ser119fs (NM_001318193.2); c.24+142dup (NM_001318194.2); c.374dup (NM_002528.6, NM_002528.5); c.350dupC (NM_002528.7); short protein forms S119fs, V119fs.
Identifiers: ClinVar variation 660624 (VCV000660624.19), dbSNP rs763525759, ClinGen allele CA7828309.

ClinVar aggregate classification (germline): Pathogenic/Likely pathogenic. Review status: criteria provided, multiple submitters, no conflicts (2 of 4 stars). 7 submissions from 7 submitters: Pathogenic (3); Likely pathogenic (4). Last evaluated 2025-12-29.

Conditions:
Hereditary cancer-predisposing syndrome. Also called: Neoplastic Syndromes, Hereditary; Tumor predisposition; Hereditary Cancer Syndrome; Hereditary neoplastic syndrome. Identifiers: Orphanet 140162, MedGen C0027672, MeSH D009386, MONDO:0015356.
Familial adenomatous polyposis 3. Also called: NTHL1-Related Adenomatous Polyposis and Colorectal Cancer; NTHL1 Tumor Syndrome; NTHL1-related attenuated familial adenomatous polyposis; NTHL1-associated polyposis. Identifiers: Orphanet 220460, Orphanet 454840, MedGen C4225157, MONDO:0014630, OMIM 616415.

Submissions (7):

Center for Genomic Medicine, Rigshospitalet, Copenhagen University Hospital
Classification: Likely pathogenic. Last evaluated: 2025-12-29. Review status: criteria provided, single submitter. Criteria: ACMG Guidelines, 2015. Collection method: clinical testing. Allele origin: germline.
Comment: Classification criteria: PVS1, PM2_supporting

Labcorp Genetics (formerly Invitae), Labcorp
Classification: Pathogenic. Last evaluated: 2025-12-24. Review status: criteria provided, single submitter. Criteria: Invitae Variant Classification Sherloc (09022015). Collection method: clinical testing. Allele origin: germline.
Comment: This sequence change creates a premature translational stop signal (p.Val127Glyfs*43) in the NTHL1 gene. It is expected to result in an absent or disrupted protein product. Loss-of-function variants in NTHL1 are known to be pathogenic (PMID: 25938944, 26559593). The frequency data for this variant in the population databases is considered unreliable, as metrics indicate poor data quality at this position in the gnomAD database. This variant has not been reported in the literature in individuals affected with NTHL1-related conditions. ClinVar contains an entry for this variant (Variation ID: 660624). For these reasons, this variant has been classified as Pathogenic.

Ambry Genetics
Classification: Pathogenic for Hereditary cancer-predisposing syndrome. Last evaluated: 2024-12-05. Review status: criteria provided, single submitter. Criteria: Ambry Variant Classification Scheme 2023. Collection method: clinical testing. Allele origin: germline.
Comment: The c.374dupC pathogenic mutation, located in coding exon 2 of the NTHL1 gene, results from a duplication of C at nucleotide position 374, causing a translational frameshift with a predicted alternate stop codon (p.V127Gfs*43). This alteration is expected to result in loss of function by premature protein truncation or nonsense-mediated mRNA decay. As such, this alteration is interpreted as a disease-causing mutation.

Baylor Genetics
Classification: Likely pathogenic for Familial adenomatous polyposis 3. Last evaluated: 2024-01-22. Review status: criteria provided, single submitter. Criteria: ACMG Guidelines, 2015. Collection method: clinical testing. Allele origin: unknown.

GeneDx
Classification: Likely pathogenic. Last evaluated: 2023-10-16. Review status: criteria provided, single submitter. Criteria: GeneDx Variant Classification Process June 2021. Collection method: clinical testing. Allele origin: germline.
Comment: Frameshift variant predicted to result in protein truncation or nonsense mediated decay in a gene for which loss-of-function is a known mechanism of disease; Not observed at significant frequency in large population cohorts (gnomAD); Has not been previously published as pathogenic or benign to our knowledge

Myriad Genetics, Inc.
Classification: Pathogenic for Familial adenomatous polyposis 3. Last evaluated: 2023-09-05. Review status: criteria provided, single submitter. Criteria: Myriad Autosomal Dominant, Autosomal Recessive and X-Linked Classification Criteria (2023). Collection method: clinical testing. Allele origin: unknown.
Comment: This variant is considered pathogenic. This variant creates a frameshift predicted to result in premature protein truncation.

Quest Diagnostics Nichols Institute San Juan Capistrano
Classification: Likely pathogenic. Last evaluated: 2023-02-23. Review status: criteria provided, single submitter. Criteria: Quest Diagnostics criteria. Collection method: clinical testing. Allele origin: unknown.
Comment: This frameshift variant alters the translational reading frame of the NTHL1 mRNA and is predicted to cause the premature termination of NTHL1 protein synthesis. The variant has not been reported in individuals with NTHL1-related diseases in the published literature. Based on the available information, this variant is classified as likely pathogenic.

Literature cited by the submitters: PubMed 25938944 (cited by Labcorp Genetics (formerly Invitae), Labcorp); PubMed 26559593 (cited by Labcorp Genetics (formerly Invitae), Labcorp).